The following is an entry in ClinVar:

NM_002354.3(EPCAM):c.23C>G (p.Ala8Gly)

Gene: EPCAM (epithelial cell adhesion molecule; plus strand). Cytogenetic location: 2p21.
Variant type: single nucleotide variant.
Coding change: c.23C>G on transcript NM_002354.3 (MANE Select); coding-DNA position 23, C replaced by G.
Protein change: p.Ala8Gly; replaces alanine 8 with glycine.
Molecular consequence: missense variant.
Genome position (GRCh38, 1-based): chr2:47,369,528, C>G. VCF-style: chr2-47369528-C-G. GRCh37 (hg19) VCF-style: chr2-47596667-C-G.
Other names: short protein forms A8G.
Identifiers: ClinVar variation 1790706 (VCV001790706.3), dbSNP rs1274512381, ClinGen allele CA346721342.
Genomic context (GRCh38, chr2:47,369,528, plus strand): 5'-GGCCCCTCCCGCGCCCCTCTTCTCGGCGCGCGCGCAGCATGGCGCCCCCGCAGGTCCTCG[C>G]GTTCGGGCTTCTGCTTGCCGCGGCGACGGCGACTTTTGCCGCAGCTCAGGAAGGTGAGGC-3'
Protein context (NP_002345.2, residues 1-18): MAPPQVL[Ala8Gly]FGLLLAAATA

ClinVar aggregate classification (germline): Uncertain significance (1 of 4 stars; one submission).

Conditions:
Hereditary cancer-predisposing syndrome. Also called: Hereditary Cancer Syndrome; Hereditary neoplastic syndrome; Tumor predisposition; Neoplastic Syndromes, Hereditary. Identifiers: Orphanet 140162, MedGen C0027672, MeSH D009386, MONDO:0015356.

Submission:

Ambry Genetics
Classification: Uncertain significance for Hereditary cancer-predisposing syndrome. Last evaluated: 2024-10-05. Review status: criteria provided, single submitter. Criteria: Ambry Variant Classification Scheme 2023. Collection method: clinical testing. Allele origin: germline.
Comment: The p.A8G variant (also known as c.23C>G), located in coding exon 1 of the EPCAM gene, results from a C to G substitution at nucleotide position 23. The alanine at codon 8 is replaced by glycine, an amino acid with similar properties. This amino acid position is conserved. In addition, this alteration is predicted to be tolerated by in silico analysis. Since supporting evidence is limited at this time, the clinical significance of this alteration remains unclear.